The following is an entry in ClinVar:

NM_024926.4(IFT56):c.1372G>A (p.Gly458Ser)

Gene: IFT56 (intraflagellar transport 56; plus strand). Cytogenetic location: 7q34.
Variant type: single nucleotide variant.
Coding change: c.1372G>A on transcript NM_024926.4 (MANE Select); coding-DNA position 1372, G replaced by A.
Protein change: p.Gly458Ser; replaces glycine 458 with serine.
Molecular consequence: missense variant.
Genome position (GRCh38, 1-based): chr7:139,181,151, G>A. VCF-style: chr7-139181151-G-A. GRCh37 (hg19) VCF-style: chr7-138865897-G-A.
Other names: c.1372G>A, p.Gly458Ser (NM_001144920.3); c.1279G>A, p.Gly427Ser (NM_001144923.3); c.979G>A, p.Gly327Ser (NM_001287512.2); c.1057G>A, p.Gly353Ser (NM_001287513.2); c.952G>A, p.Gly318Ser (NM_001318333.2); c.1342G>A, p.Gly448Ser (NM_001321740.2); c.1054G>A, p.Gly352Ser (NM_001321741.2); c.1372G>A (NM_024926.3); short protein forms G318S, G353S, G327S, G427S, G352S, G448S, G458S.
Identifiers: ClinVar variation 2067275 (VCV002067275.4), dbSNP rs73732402, ClinGen allele CA4508457.

ClinVar aggregate classification (germline): Likely benign. Review status: criteria provided, multiple submitters, no conflicts (2 of 4 stars). 2 submissions from 2 submitters: Likely benign (2). Last evaluated 2026-03-31.

Conditions:
IFT56-related disorder. Also called: IFT56-related condition.

Allele frequency attached by ClinVar (database versions not stated): gnomAD 0.00119; 1000 Genomes Project 0.00180; 1000 Genomes Project 30x 0.00203; ESP Exome Variant Server 0.00208.
gnomAD v4.1: 399 of 1,613,174 alleles (0.025%); highest among the groups gnomAD compares: African/African-American, 0.43%; 1 homozygote.

Submissions (2):

PreventionGenetics, part of Exact Sciences
Classification: Likely benign for IFT56-related condition. Last evaluated: 2026-03-31. Review status: criteria provided, single submitter. Criteria: ACMG Guidelines, 2015. Collection method: clinical testing. Allele origin: germline.
Comment: This variant is classified as likely benign based on ACMG/AMP sequence variant interpretation guidelines (Richards et al. 2015 PMID: 25741868, with internal and published modifications).

Labcorp Genetics (formerly Invitae), Labcorp
Classification: Likely benign. Last evaluated: 2025-11-23. Review status: criteria provided, single submitter. Criteria: Invitae Variant Classification Sherloc (09022015). Collection method: clinical testing. Allele origin: germline.